The following is an entry in ClinVar:

NM_021831.6(AGBL5):c.2104G>A (p.Asp702Asn)

Gene: AGBL5 (AGBL carboxypeptidase 5; plus strand). Cytogenetic location: 2p23.3.
Variant type: single nucleotide variant.
Coding change: c.2104G>A on transcript NM_021831.6 (MANE Select); coding-DNA position 2104, G replaced by A.
Protein change: p.Asp702Asn; replaces aspartic acid 702 with asparagine.
Molecular consequence: missense variant. On other transcripts: non-coding transcript variant (2).
Genome position (GRCh38, 1-based): chr2:27,067,508, G>A. VCF-style: chr2-27067508-G-A. GRCh37 (hg19) VCF-style: chr2-27290376-G-A.
Other names: c.2104G>A (NM_021831.5); short protein forms D702N.
Identifiers: ClinVar variation 1364944 (VCV001364944.7), dbSNP rs374424856, ClinGen allele CA1568097.

ClinVar aggregate classification (germline): Uncertain significance. Review status: criteria provided, multiple submitters, no conflicts (2 of 4 stars). 5 submissions from 5 submitters: Uncertain significance (4). 1 of the submissions does not count toward it. Last evaluated 2024-12-10.

Conditions:
Inborn genetic diseases. Identifiers: MedGen C0950123, MeSH D030342.
Retinal dystrophy. Also called: Inherited retinal dystrophy. Identifiers: Orphanet 71862, MedGen C0854723, MeSH D058499, MONDO:0019118, HP:0000556.

Allele frequency attached by ClinVar (database versions not stated): TOPMed 0.00002; ExAC 0.00003; gnomAD exomes 0.00003 and 0.00004; ESP Exome Variant Server 0.00008.
gnomAD v4.1: 49 of 1,614,020 alleles (0.003%); highest among the groups gnomAD compares: Middle Eastern, 0.23%; no homozygotes.

Submissions (5):

Ambry Genetics
Classification: Uncertain significance for Inborn genetic diseases. Last evaluated: 2024-12-10. Review status: criteria provided, single submitter. Criteria: Ambry Variant Classification Scheme 2023. Collection method: clinical testing. Allele origin: germline.

Blueprint Genetics
Classification: Uncertain significance. Last evaluated: 2024-08-01. Review status: criteria provided, single submitter. Criteria: ACMG Guidelines, 2015. Collection method: clinical testing. Allele origin: germline.

Labcorp Genetics (formerly Invitae), Labcorp
Classification: Uncertain significance. Last evaluated: 2022-08-21. Review status: criteria provided, single submitter. Criteria: Invitae Variant Classification Sherloc (09022015). Collection method: clinical testing. Allele origin: germline.
Comment: This sequence change replaces aspartic acid, which is acidic and polar, with asparagine, which is neutral and polar, at codon 702 of the AGBL5 protein (p.Asp702Asn). This variant is present in population databases (rs374424856, gnomAD 0.01%). This variant has not been reported in the literature in individuals affected with AGBL5-related conditions. ClinVar contains an entry for this variant (Variation ID: 1364944). Algorithms developed to predict the effect of missense changes on protein structure and function (SIFT, PolyPhen-2, Align-GVGD) all suggest that this variant is likely to be tolerated. In summary, the available evidence is currently insufficient to determine the role of this variant in disease. Therefore, it has been classified as a Variant of Uncertain Significance.

Breakthrough Genomics
Classification: Uncertain significance. Review status: criteria provided, single submitter. Criteria: ACMG Guidelines, 2015. Collection method: not provided. Allele origin: germline. Inheritance: Autosomal recessive inheritance. Affected: yes.

Institute of Human Genetics, Univ. Regensburg, Univ. Regensburg
Classification: Uncertain significance for Retinal dystrophy. Last evaluated: 2019-01-01. Review status: no assertion criteria provided. Criteria: ACMG Guidelines, 2015. Collection method: clinical testing. Allele origin: germline. Affected: yes. Not counted in ClinVar's aggregate classification.